The following is an entry in ClinVar:

ClinVar aggregate classification (germline): Uncertain significance (1 of 4 stars; one submission).

Conditions:
Parathyroid carcinoma (PRTC). Also called: CDC73-Related Parathyroid Carcinoma; Parathyroid gland carcinoma. Identifiers: Orphanet 143, MedGen C0687150, MONDO:0012004, OMIM 608266, HP:0006780.

Submission:

Labcorp Genetics (formerly Invitae), Labcorp
Classification: Uncertain significance for Parathyroid carcinoma. Last evaluated: 2025-03-27. Review status: criteria provided, single submitter. Criteria: Invitae Variant Classification Sherloc (09022015). Collection method: clinical testing. Allele origin: germline.
Comment: This sequence change replaces lysine, which is basic and polar, with asparagine, which is neutral and polar, at codon 491 of the CDC73 protein (p.Lys491Asn). This variant is not present in population databases (gnomAD no frequency). This variant has not been reported in the literature in individuals affected with CDC73-related conditions. Invitae Evidence Modeling of protein sequence and biophysical properties (such as structural, functional, and spatial information, amino acid conservation, physicochemical variation, residue mobility, and thermodynamic stability) indicates that this missense variant is not expected to disrupt CDC73 protein function with a negative predictive value of 80%. In summary, the available evidence is currently insufficient to determine the role of this variant in disease. Therefore, it has been classified as a Variant of Uncertain Significance.

NM_024529.5(CDC73):c.1473A>T (p.Lys491Asn)

Gene: CDC73 (cell division cycle 73; plus strand). Cytogenetic location: 1q31.2.
Variant type: single nucleotide variant.
Coding change: c.1473A>T on transcript NM_024529.5 (MANE Select); coding-DNA position 1473, A replaced by T.
Protein change: p.Lys491Asn; replaces lysine 491 with asparagine.
Molecular consequence: missense variant.
Genome position (GRCh38, 1-based): chr1:193,249,785, A>T. VCF-style: chr1-193249785-A-T. GRCh37 (hg19) VCF-style: chr1-193218915-A-T.
Other names: short protein forms K491N.
Identifiers: ClinVar variation 4746551 (VCV004746551.1).